The following is an entry in ClinVar:

ClinVar aggregate classification (germline): Uncertain significance (1 of 4 stars; one submission).

Conditions:
Familial adenomatous polyposis 1 (FAP1). Also called: POLYPOSIS, ADENOMATOUS INTESTINAL; FAMILIAL ADENOMATOUS POLYPOSIS 1, ATTENUATED. Identifiers: MedGen C2713442, MONDO:0021056, OMIM 175100. Disease mechanism: loss of function.

Submission:

Labcorp Genetics (formerly Invitae), Labcorp
Classification: Uncertain significance for Familial adenomatous polyposis 1. Last evaluated: 2021-01-31. Review status: criteria provided, single submitter. Criteria: Invitae Variant Classification Sherloc (09022015). Collection method: clinical testing. Allele origin: germline.
Comment: This sequence change replaces serine with arginine at codon 290 of the APC protein (p.Ser290Arg). The serine residue is highly conserved and there is a moderate physicochemical difference between serine and arginine. In summary, the available evidence is currently insufficient to determine the role of this variant in disease. Therefore, it has been classified as a Variant of Uncertain Significance. Algorithms developed to predict the effect of missense changes on protein structure and function are either unavailable or do not agree on the potential impact of this missense change (SIFT: "Deleterious"; PolyPhen-2: "Possibly Damaging"; Align-GVGD: "Class C0"). This variant has not been reported in the literature in individuals with APC-related conditions. This variant is not present in population databases (ExAC no frequency).

NM_000038.6(APC):c.870T>A (p.Ser290Arg)

Gene: APC (APC regulator of Wnt signaling pathway; plus strand). Cytogenetic location: 5q22.2.
Variant type: single nucleotide variant.
Coding change: c.870T>A on transcript NM_000038.6 (MANE Select); coding-DNA position 870, T replaced by A.
Protein change: p.Ser290Arg; replaces serine 290 with arginine.
Molecular consequence: missense variant.
Genome position (GRCh38, 1-based): chr5:112,815,530, T>A. VCF-style: chr5-112815530-T-A. GRCh37 (hg19) VCF-style: chr5-112151227-T-A.
Other names: c.870T>A, p.Ser290Arg (NM_001127510.3, NM_001354895.2, NM_001354896.2 and 1 more transcripts); c.816T>A, p.Ser272Arg (NM_001127511.3); c.900T>A, p.Ser300Arg (NM_001354897.2, NM_001354902.2); c.795T>A, p.Ser265Arg (NM_001354898.2, NM_001354904.2); c.786T>A, p.Ser262Arg (NM_001354899.2); c.693T>A, p.Ser231Arg (NM_001354900.2, NM_001354901.2, NM_001354905.2); c.21T>A, p.Ser7Arg (NM_001354906.2); short protein forms S290R, S231R, S265R, S300R, S7R, S262R, S272R.
Identifiers: ClinVar variation 1368407 (VCV001368407.8), dbSNP rs863224289, ClinGen allele CA16023221.